The following is an entry in ClinVar:

NM_177550.5(SLC13A5):c.137C>T (p.Ala46Val)

Gene: SLC13A5 (solute carrier family 13 member 5; minus strand). Cytogenetic location: 17p13.1.
Variant type: single nucleotide variant.
Coding change: c.137C>T on transcript NM_177550.5 (MANE Select); coding-DNA position 137, C replaced by T.
Protein change: p.Ala46Val; replaces alanine 46 with valine.
Molecular consequence: missense variant. On other transcripts: intron variant (1).
Genome position (GRCh38, 1-based): chr17:6,707,122, G>A on the plus strand (C>T on the coding strand, the complement: SLC13A5 is on the minus strand). VCF-style: chr17-6707122-G-A. GRCh37 (hg19) VCF-style: chr17-6610441-G-A.
Other names: c.137C>T, p.Ala46Val (NM_001143838.3, NM_001284509.2); c.103-344C>T (NM_001284510.2); short protein forms A46V.
Identifiers: ClinVar variation 1038467 (VCV001038467.9), dbSNP rs762903735, ClinGen allele CA8331860.

ClinVar aggregate classification (germline): Uncertain significance (1 of 4 stars; one submission).

Conditions:
Developmental and epileptic encephalopathy, 25 (DEE25). Also called: Developmental and epileptic encephalopathy 25, with amelogenesis imperfecta; Epileptic encephalopathy, early infantile, 25, with amelogenesis imperfecta; Epileptic encephalopathy, early infantile, 25. Identifiers: Orphanet 442835, MedGen C4014621, MONDO:0014392, OMIM 615905.

Allele frequency attached by ClinVar (database versions not stated): gnomAD exomes below 0.00001; ExAC 0.00001.

Submission:

Labcorp Genetics (formerly Invitae), Labcorp
Classification: Uncertain significance for Developmental and epileptic encephalopathy, 25. Last evaluated: 2020-04-08. Review status: criteria provided, single submitter. Criteria: Invitae Variant Classification Sherloc (09022015). Collection method: clinical testing. Allele origin: germline.
Comment: In summary, the available evidence is currently insufficient to determine the role of this variant in disease. Therefore, it has been classified as a Variant of Uncertain Significance. Algorithms developed to predict the effect of missense changes on protein structure and function are either unavailable or do not agree on the potential impact of this missense change (SIFT: "Tolerated"; PolyPhen-2: "Probably Damaging"; Align-GVGD: "Class C0"). This variant has not been reported in the literature in individuals with SLC13A5-related conditions. This variant is present in population databases (rs762903735, ExAC 0.001%). This sequence change replaces alanine with valine at codon 46 of the SLC13A5 protein (p.Ala46Val). The alanine residue is highly conserved and there is a small physicochemical difference between alanine and valine.